The following is an entry in ClinVar:

ClinVar aggregate classification (germline): Uncertain significance (1 of 4 stars; one submission).

gnomAD v4.1: 1 of 1,613,814 alleles (0.000062%); no homozygotes.

Submission:

GeneDx
Classification: Uncertain significance. Last evaluated: 2026-02-10. Review status: criteria provided, single submitter. Criteria: GeneDx Variant Classification Process June 2021. Collection method: clinical testing. Allele origin: germline.
Comment: Not observed at significant frequency in large population cohorts (gnomAD); In silico analysis supports that this missense variant has a deleterious effect on protein structure/function; Has not been previously published as pathogenic or benign to our knowledge

NM_005862.3(STAG1):c.572A>G (p.Tyr191Cys)

Gene: STAG1 (STAG1 cohesin complex component; minus strand). Cytogenetic location: 3q22.3.
Variant type: single nucleotide variant.
Coding change: c.572A>G on transcript NM_005862.3 (MANE Select); coding-DNA position 572, A replaced by G.
Protein change: p.Tyr191Cys; replaces tyrosine 191 with cysteine.
Molecular consequence: missense variant.
Genome position (GRCh38, 1-based): chr3:136,521,317, T>C on the plus strand (A>G on the coding strand, the complement: STAG1 is on the minus strand). VCF-style: chr3-136521317-T-C. GRCh37 (hg19) VCF-style: chr3-136240159-T-C.
Other names: short protein forms Y191C.
Identifiers: ClinVar variation 4976156 (VCV004976156.1).